The following is an entry in ClinVar:

ClinVar aggregate classification (germline): Uncertain significance (1 of 4 stars; one submission).

Conditions:
Peroxisome biogenesis disorder 11A (Zellweger). Also called: Peroxisome biogenesis disorder 11A. Identifiers: Orphanet 912, MedGen C3554000, MONDO:0013949, OMIM 614883.

Allele frequency attached by ClinVar (database versions not stated): gnomAD exomes below 0.00001; ExAC 0.00001; gnomAD 0.00001; TOPMed 0.00001.
gnomAD v4.1: 2 of 1,613,944 alleles (0.00012%); highest among the groups gnomAD compares: East Asian, 0.0022%; no homozygotes.

Submission:

Labcorp Genetics (formerly Invitae), Labcorp
Classification: Uncertain significance for Peroxisome biogenesis disorder 11A (Zellweger). Last evaluated: 2022-02-27. Review status: criteria provided, single submitter. Criteria: Invitae Variant Classification Sherloc (09022015). Collection method: clinical testing. Allele origin: germline.
Comment: This sequence change replaces aspartic acid, which is acidic and polar, with histidine, which is basic and polar, at codon 319 of the PEX13 protein (p.Asp319His). This variant is present in population databases (rs760129120, gnomAD 0.007%). This variant has not been reported in the literature in individuals affected with PEX13-related conditions. Algorithms developed to predict the effect of missense changes on protein structure and function (SIFT, PolyPhen-2, Align-GVGD) all suggest that this variant is likely to be disruptive. In summary, the available evidence is currently insufficient to determine the role of this variant in disease. Therefore, it has been classified as a Variant of Uncertain Significance.

NM_002618.4(PEX13):c.955G>C (p.Asp319His)

Gene: PEX13 (peroxisomal biogenesis factor 13; plus strand). Cytogenetic location: 2p15.
Variant type: single nucleotide variant.
Coding change: c.955G>C on transcript NM_002618.4 (MANE Select); coding-DNA position 955, G replaced by C.
Protein change: p.Asp319His; replaces aspartic acid 319 with histidine.
Molecular consequence: missense variant.
Genome position (GRCh38, 1-based): chr2:61,048,513, G>C. VCF-style: chr2-61048513-G-C. GRCh37 (hg19) VCF-style: chr2-61275648-G-C.
Other names: short protein forms D319H.
Identifiers: ClinVar variation 2090943 (VCV002090943.1), dbSNP rs760129120, ClinGen allele CA1673404.